The following is an entry in ClinVar:

ClinVar aggregate classification (germline): Likely benign (0 of 4 stars; one submission).

Conditions:
CTNNA2-related disorder. Also called: CTNNA2-related condition.

Submission:

PreventionGenetics, part of Exact Sciences
Classification: Likely benign for CTNNA2-related condition. Last evaluated: 2019-06-17. Review status: no assertion criteria provided. Collection method: clinical testing. Allele origin: germline.
Comment: This variant is classified as likely benign based on ACMG/AMP sequence variant interpretation guidelines (Richards et al. 2015 PMID: 25741868, with internal and published modifications).

NM_001282597.3(CTNNA2):c.2190-7_2190-5del

Gene: CTNNA2 (catenin alpha 2; plus strand). Cytogenetic location: 2p12.
Variant type: Microsatellite.
Coding change: c.2190-7_2190-5del on transcript NM_001282597.3 (MANE Select); 7 bases into the intron before coding-DNA position 2190 through 5 bases into the intron before coding-DNA position 2190, 3 bases deleted (GTT; older notation c.2190-7_2190-5delGTT).
Molecular consequence: intron variant.
Genome position (GRCh38, 1-based): chr2:80,604,067-80,604,069, GTT deleted; deleting any 3 consecutive bases within chr2:80,604,063-80,604,069 gives the same sequence; the c. name uses the placement nearest the transcript's 3' end. VCF-style (leftmost placement, unchanged base first): chr2-80604062-ATGT-A. GRCh37 (hg19) VCF-style: chr2-80831187-ATGT-A.
Other names: c.2190-7_2190-5del (NM_001399737.1, NM_004389.4, NM_001164883.2); c.2292-7_2292-5del (NM_001282598.2); c.1086-7_1086-5del (NM_001320810.2, NM_001282600.2); c.1227-7_1227-5del (NM_001282599.2).
Identifiers: ClinVar variation 3033666 (VCV003033666.2), dbSNP rs763050945, ClinGen allele CA1735858.
Genomic context (GRCh38, chr2:80,604,062, plus strand): 5'-AAAGGATATGGTAGGTTGGTCTCTTTCCCGTCATTAAGTGGATTTCTAATTATGTTGTAT[ATGT>A]TGTTTCAGAGGCAAAGGCCCATTGAAAAATACATCTGATGTCATTAATGCTGCCAAGAAA-3'